The following is an entry in ClinVar:

NM_001378615.1(CC2D2A):c.4047C>A (p.Asp1349Glu)

Genes: CC2D2A (coiled-coil and C2 domain containing 2A; plus strand), FBXL5 (F-box and leucine rich repeat protein 5; minus strand). Cytogenetic location: 4p15.32.
Variant type: single nucleotide variant.
Coding change: c.4047C>A on transcript NM_001378615.1 (MANE Select); coding-DNA position 4047, C replaced by A.
Protein change: p.Asp1349Glu; replaces aspartic acid 1349 with glutamic acid.
Molecular consequence: missense variant.
Genome position (GRCh38, 1-based): chr4:15,586,228, C>A. VCF-style: chr4-15586228-C-A. GRCh37 (hg19) VCF-style: chr4-15587851-C-A.
Other names: c.3900C>A, p.Asp1300Glu (NM_001378617.1); c.4047C>A, p.Asp1349Glu (NM_001080522.2); short protein forms D1300E, D1349E.
Identifiers: ClinVar variation 4996210 (VCV004996210.1).
Genomic context (GRCh38, chr4:15,586,228, plus strand): 5'-TCGATATGTGTCCTTGATTCCCTTCTTGCCTGACACTGTCTCATTTGGTGGTATCTGTGA[C>A]CTCTGGAGCACATCTGATGTAAGTAGTTCTTCTTCACAGATTTAGAAACTTGAGCTGACT-3'
Protein context (NP_001365544.1, residues 1339-1359): PDTVSFGGIC[Asp1349Glu]LWSTSDQFLD

ClinVar aggregate classification (germline): Uncertain significance (1 of 4 stars; one submission).

Conditions:
CC2D2A-related disorder. Also called: CC2D2A-related condition; CC2D2A-related disorders. Identifiers: MedGen CN239313.

gnomAD v4.1: 1 of 1,605,316 alleles (0.000062%); highest among the groups gnomAD compares: Non-Finnish European, 0.000085%; no homozygotes.

Submission:

PreventionGenetics, part of Exact Sciences
Classification: Uncertain significance for CC2D2A-related condition. Last evaluated: 2026-08-02. Review status: criteria provided, single submitter. Criteria: ACMG Guidelines, 2015. Collection method: clinical testing. Allele origin: germline.
Comment: The CC2D2A c.4047C>A variant is predicted to result in the amino acid substitution p.Asp1349Glu. To our knowledge, this variant has not been reported in the literature or in a large population database (gnomAD), indicating this variant is rare. At this time, the clinical significance of this variant is uncertain due to the absence of conclusive functional and genetic evidence.